The following is an entry in ClinVar:

NM_005591.4(MRE11):c.386A>G (p.His129Arg)

Gene: MRE11 (MRE11 double strand break repair nuclease; minus strand). Cytogenetic location: 11q21.
Variant type: single nucleotide variant.
Coding change: c.386A>G on transcript NM_005591.4 (MANE Select); coding-DNA position 386, A replaced by G.
Protein change: p.His129Arg; replaces histidine 129 with arginine.
Molecular consequence: missense variant.
Genome position (GRCh38, 1-based): chr11:94,479,690, T>C on the plus strand (A>G on the coding strand, the complement: MRE11 is on the minus strand). VCF-style: chr11-94479690-T-C. GRCh37 (hg19) VCF-style: chr11-94212856-T-C.
Other names: c.386A>G, p.His129Arg (NM_001330347.2, NM_005590.4); short protein forms H129R.
Identifiers: ClinVar variation 1799893 (VCV001799893.2), dbSNP rs2496566673, ClinGen allele CA382378300.

ClinVar aggregate classification (germline): Uncertain significance (1 of 4 stars; one submission).

Conditions:
Hereditary cancer-predisposing syndrome. Also called: Neoplastic Syndromes, Hereditary; Tumor predisposition; Hereditary Cancer Syndrome; Hereditary neoplastic syndrome. Identifiers: Orphanet 140162, MedGen C0027672, MeSH D009386, MONDO:0015356.

Submission:

Ambry Genetics
Classification: Uncertain significance for Hereditary cancer-predisposing syndrome. Last evaluated: 2021-07-20. Review status: criteria provided, single submitter. Criteria: Ambry Variant Classification Scheme 2023. Collection method: clinical testing. Allele origin: germline.
Comment: The p.H129R variant (also known as c.386A>G), located in coding exon 4 of the MRE11A gene, results from an A to G substitution at nucleotide position 386. The histidine at codon 129 is replaced by arginine, an amino acid with highly similar properties. This amino acid position is conserved. In addition, this alteration is predicted to be deleterious by in silico analysis. Since supporting evidence is limited at this time, the clinical significance of this alteration remains unclear.